The following is an entry in ClinVar:

ClinVar aggregate classification (germline): Pathogenic (1 of 4 stars; one submission).

Conditions:
Neurofibromatosis, type 1 (NF1). Also called: NEUROFIBROMATOSIS, TYPE I, SOMATIC; Peripheral type neurofibromatosis; VON RECKLINGHAUSEN DISEASE; Neurofibromatosis, type I. Identifiers: Orphanet 636, MedGen C0027831, MONDO:0018975, OMIM 162200. Disease mechanism: loss of function.

Submission:

Labcorp Genetics (formerly Invitae), Labcorp
Classification: Pathogenic for Neurofibromatosis, type 1. Last evaluated: 2023-08-02. Review status: criteria provided, single submitter. Criteria: Invitae Variant Classification Sherloc (09022015). Collection method: clinical testing. Allele origin: germline.
Comment: For these reasons, this variant has been classified as Pathogenic. This variant has not been reported in the literature in individuals affected with NF1-related conditions. This variant is not present in population databases (gnomAD no frequency). This sequence change creates a premature translational stop signal (p.Thr1808Aspfs*33) in the NF1 gene. It is expected to result in an absent or disrupted protein product. Loss-of-function variants in NF1 are known to be pathogenic (PMID: 10712197, 23913538).

Literature cited by the submitters: PubMed 10712197; PubMed 23913538.

NM_001042492.3(NF1):c.5484dup (p.Thr1829fs)

Gene: NF1 (neurofibromin 1; plus strand). Cytogenetic location: 17q11.2.
Variant type: Duplication.
Coding change: c.5484dup on transcript NM_001042492.3 (MANE Select); coding-DNA position 5484, one base duplicated (G; older notation c.5484dupG).
Protein change: p.Thr1829fs; shifts the reading frame from threonine 1829.
Molecular consequence: frameshift variant.
Genome position (GRCh38, 1-based): chr17:31,327,714, G duplicated; the last of 2 consecutive G bases (chr17:31,327,713-31,327,714); duplicating either gives the same sequence. VCF-style (leftmost placement, unchanged base first): chr17-31327712-C-CG. GRCh37 (hg19) VCF-style: chr17-29654730-C-CG.
Other names: c.5421dup, p.Thr1808Aspfs (NM_000267.4); short protein forms T1808fs, T1829fs.
Identifiers: ClinVar variation 2810885 (VCV002810885.3), dbSNP rs2508707140, ClinGen allele CA2739267469.